The following is an entry in ClinVar:

NM_000136.3(FANCC):c.191T>A (p.Phe64Tyr)

Gene: FANCC (FA complementation group C; minus strand). Cytogenetic location: 9q22.32.
Variant type: single nucleotide variant.
Coding change: c.191T>A on transcript NM_000136.3 (MANE Select); coding-DNA position 191, T replaced by A.
Protein change: p.Phe64Tyr; replaces phenylalanine 64 with tyrosine.
Molecular consequence: missense variant.
Genome position (GRCh38, 1-based): chr9:95,247,491, A>T on the plus strand (T>A on the coding strand, the complement: FANCC is on the minus strand). VCF-style: chr9-95247491-A-T. GRCh37 (hg19) VCF-style: chr9-98009773-A-T.
Other names: c.191T>A, p.Phe64Tyr (NM_001243743.2, NM_001243744.2); short protein forms F64Y.
Identifiers: ClinVar variation 1782647 (VCV001782647.3), dbSNP rs375921240, ClinGen allele CA374340112.

ClinVar aggregate classification (germline): Uncertain significance (1 of 4 stars; one submission).

Conditions:
Hereditary cancer-predisposing syndrome. Also called: Neoplastic Syndromes, Hereditary; Tumor predisposition; Hereditary Cancer Syndrome; Hereditary neoplastic syndrome. Identifiers: Orphanet 140162, MedGen C0027672, MeSH D009386, MONDO:0015356.

Submission:

Ambry Genetics
Classification: Uncertain significance for Hereditary cancer-predisposing syndrome. Last evaluated: 2025-04-29. Review status: criteria provided, single submitter. Criteria: Ambry Variant Classification Scheme 2023. Collection method: clinical testing. Allele origin: germline.
Comment: The p.F64Y variant (also known as c.191T>A), located in coding exon 2 of the FANCC gene, results from a T to A substitution at nucleotide position 191. The phenylalanine at codon 64 is replaced by tyrosine, an amino acid with highly similar properties. This amino acid position is conserved. In addition, this alteration is predicted to be tolerated by in silico analysis. Since supporting evidence is limited at this time, the clinical significance of this alteration remains unclear.